The following is an entry in ClinVar:

NM_001077365.2(POMT1):c.1272+1G>A

Gene: POMT1 (protein O-mannosyltransferase 1; plus strand). Cytogenetic location: 9q34.13.
Variant type: single nucleotide variant.
Coding change: c.1272+1G>A on transcript NM_001077365.2 (MANE Select); the canonical splice donor site of the intron after coding-DNA position 1272, G replaced by A.
Molecular consequence: splice donor variant.
Genome position (GRCh38, 1-based): chr9:131,515,523, G>A. VCF-style: chr9-131515523-G-A. GRCh37 (hg19) VCF-style: chr9-134390910-G-A.
Other names: c.1176+1G>A (NM_001353198.2, NM_001353197.2); c.1338+1G>A (NM_001353193.2, NM_007171.4); c.1272+1G>A (NM_001136113.2, NM_001374690.1); c.1110+1G>A (NM_001353194.2, NM_001077366.2); c.921+1G>A (NM_001374691.1, NM_001353195.2, NM_001374692.1 and 2 more transcripts); c.1182+1G>A (NM_001353196.2); c.882+1G>A (NM_001374695.1); c.1260+1G>A (NM_001374689.1); and 3 more.
Identifiers: ClinVar variation 1192212 (VCV001192212.5), dbSNP rs2131751359, ClinGen allele CA375310220.
Genomic context (GRCh38, chr9:131,515,523, plus strand): 5'-GAGGTCTCCTGCTACATTGACTATAACATCTCCATGCCCGCCCAGAACCTCTGGAGACTG[G>A]TGAGTAAGGCTGCGGCTATAGCAGCCACAACCGTCAGTAATGAACACTCCCTCACACGGA-3'

ClinVar aggregate classification (germline): Pathogenic. Review status: criteria provided, multiple submitters, no conflicts (2 of 4 stars). 3 submissions from 3 submitters: Pathogenic (3). Last evaluated 2024-02-01.

Conditions:
Muscular dystrophy-dystroglycanopathy (congenital with brain and eye anomalies), type A1 (MDDGA1). Also called: COD-MD SYNDROME; Muscular dystrophy-dystroglycanopathy (congenital with brain and eye anomalies), type A, 1; WALKER-WARBURG SYNDROME OR MUSCLE-EYE-BRAIN DISEASE, POMT1-RELATED; Hydrocephalus, agyria and retinal dysplasia; Hard +/- E syndrome; Warburg syndrome. Identifiers: Orphanet 588, Orphanet 899, MedGen C4284790, MONDO:0009364, OMIM 236670.
Autosomal recessive limb-girdle muscular dystrophy. Identifiers: Orphanet 102015, MedGen C2931907, MONDO:0015152.
Walker-Warburg congenital muscular dystrophy. Also called: Muscular dystrophy-dystroglycanopathy, type A; Walker-Warburg syndrome. Identifiers: Orphanet 899, MedGen C0265221, MONDO:0000171.
Muscular dystrophy-dystroglycanopathy (congenital with impaired intellectual development), type B, 1. Also called: Muscular dystrophy-dystroglycanopathy (congenital with intellectual disability), type B1; MUSCULAR DYSTROPHY, CONGENITAL, POMT1-RELATED. Identifiers: MedGen C5436962, MONDO:0013159, OMIM 613155.
Autosomal recessive limb-girdle muscular dystrophy type 2K. Also called: MUSCULAR DYSTROPHY-DYSTROGLYCANOPATHY (LIMB-GIRDLE), TYPE C, 1; MUSCULAR DYSTROPHY, LIMB-GIRDLE, TYPE 2K. Identifiers: Orphanet 86812, MedGen C1836373, MONDO:0012248, OMIM 609308.

Allele frequency attached by ClinVar (database versions not stated): gnomAD exomes below 0.00001.
gnomAD v4.1: 2 of 1,613,838 alleles (0.00012%); highest among the groups gnomAD compares: Non-Finnish European, 0.00017%; no homozygotes.

Submissions (3):

Labcorp Genetics (formerly Invitae), Labcorp
Classification: Pathogenic for Muscular dystrophy-dystroglycanopathy (congenital with impaired intellectual development), type B, 1; Walker-Warburg congenital muscular dystrophy; Autosomal recessive limb-girdle muscular dystrophy type 2K. Last evaluated: 2024-02-01. Review status: criteria provided, single submitter. Criteria: Invitae Variant Classification Sherloc (09022015). Collection method: clinical testing. Allele origin: germline.
Comment: This sequence change affects a donor splice site in intron 13 of the POMT1 gene. It is expected to disrupt RNA splicing. Variants that disrupt the donor or acceptor splice site typically lead to a loss of protein function (PMID: 16199547), and loss-of-function variants in POMT1 are known to be pathogenic (PMID: 12369018, 15637732, 16575835). This variant is not present in population databases (gnomAD no frequency). Disruption of this splice site has been observed in individual(s) with POMT1-related conditions (PMID: 17559086, 28157257). In at least one individual the data is consistent with being in trans (on the opposite chromosome) from a pathogenic variant. It has also been observed to segregate with disease in related individuals. ClinVar contains an entry for this variant (Variation ID: 1192212). Algorithms developed to predict the effect of sequence changes on RNA splicing suggest that this variant may disrupt the consensus splice site. For these reasons, this variant has been classified as Pathogenic.

Baylor Genetics
Classification: Pathogenic for Muscular dystrophy-dystroglycanopathy (congenital with brain and eye anomalies), type A1. Last evaluated: 2023-06-13. Review status: criteria provided, single submitter. Criteria: ACMG Guidelines, 2015. Collection method: clinical testing. Allele origin: unknown.

Women's Health and Genetics/Laboratory Corporation of America, LabCorp
Classification: Pathogenic for Autosomal recessive limb-girdle muscular dystrophy. Last evaluated: 2021-07-20. Review status: criteria provided, single submitter. Criteria: LabCorp Variant Classification Summary - May 2015. Collection method: clinical testing. Allele origin: germline.
Comment: Variant summary: POMT1 c.1338+1G>A is located in a canonical splice-site and is predicted to affect mRNA splicing resulting in a significantly altered protein due to either exon skipping, shortening, or inclusion of intronic material. Several computational tools predict a significant impact on normal splicing: Four predict the variant abolishes a 5 splicing donor site. Experimental evidence supports these predictions demonstrating the variant leads to the loss of exon 13 and a frameshift change (Bouchet_2007, Hu_2017). The variant was absent in 251274 control chromosomes (gnomAD). c.1338+1G>A has been reported in the literature in individuals/families affected with muscular dystrophy-dystroglycanopathy (Bouchet_2007, Hu_2017); evidence of co-segregation with disease in a family was provided by one of the studies (Hu_2017). These data indicate that the variant is likely to be associated with disease. No clinical diagnostic laboratories have submitted clinical-significance assessments for this variant to ClinVar after 2014. Based on the evidence outlined above, the variant was classified as pathogenic.

Literature cited by the submitters: PubMed 16199547 (cited by Labcorp Genetics (formerly Invitae), Labcorp); PubMed 12369018 (cited by Labcorp Genetics (formerly Invitae), Labcorp); PubMed 15637732 (cited by Labcorp Genetics (formerly Invitae), Labcorp); PubMed 16575835 (cited by Labcorp Genetics (formerly Invitae), Labcorp); PubMed 17559086 (cited by Labcorp Genetics (formerly Invitae), Labcorp and Women's Health and Genetics/Laboratory Corporation of America, LabCorp); PubMed 28157257 (cited by Labcorp Genetics (formerly Invitae), Labcorp and Women's Health and Genetics/Laboratory Corporation of America, LabCorp); PubMed 22323514 (cited by Women's Health and Genetics/Laboratory Corporation of America, LabCorp).